The following is an entry in ClinVar:

ClinVar aggregate classification (germline): Pathogenic/Likely pathogenic. Review status: criteria provided, multiple submitters, no conflicts (2 of 4 stars). 3 submissions from 3 submitters: Pathogenic (1); Likely pathogenic (2). Last evaluated 2026-05-15.

Conditions:
Asphyxiating thoracic dystrophy 3. Also called: Saldino-Noonan Syndrome; SHORT-RIB THORACIC DYSPLASIA 3 WITH OR WITHOUT POLYDACTYLY; POLYDACTYLY WITH NEONATAL CHONDRODYSTROPHY, TYPE I; SHORT-RIB THORACIC DYSPLASIA 3/6 WITH POLYDACTYLY, DIGENIC; Short rib polydactyly syndrome 2B. Identifiers: Orphanet 474, Orphanet 93269, Orphanet 93270, Orphanet 93271, MedGen C0036069, MONDO:0013127, OMIM 613091.

gnomAD v4.1: 1 of 1,613,704 alleles (0.000062%); highest among the groups gnomAD compares: Non-Finnish European, 0.000085%; no homozygotes.

Submissions (3):

Myriad Genetics, Inc.
Classification: Pathogenic for Asphyxiating thoracic dystrophy 3. Last evaluated: 2026-05-15. Review status: criteria provided, single submitter. Criteria: Myriad Autosomal Dominant, Autosomal Recessive and X-Linked Classification Criteria (2023). Collection method: clinical testing. Allele origin: unknown.
Comment: NM_001377.2(DYNC2H1):c.11578C>T(R3860*) is expected to be pathogenic in the context of DYNC2H1-related disorders. This variant is predicted to lead to an abnormal or absent protein product due to the creation of a premature termination codon in DYNC2H1, a gene where loss-of-function variants are known to be pathogenic. Please note: this variant was assessed in the context of healthy population screening.

Fulgent Genetics
Classification: Likely pathogenic for Asphyxiating thoracic dystrophy 3. Last evaluated: 2024-06-05. Review status: criteria provided, single submitter. Criteria: ACMG Guidelines, 2015. Collection method: clinical testing. Allele origin: germline.

Juno Genomics, Hangzhou Juno Genomics, Inc
Classification: Likely pathogenic for Asphyxiating thoracic dystrophy 3. Review status: criteria provided, single submitter. Criteria: ACMG Guidelines, 2015. Collection method: clinical testing. Allele origin: germline.
Comment: Null variant in a gene where loss of function (LOF) is a known mechanism of disease.;Absent from controls (or at extremely low frequency if recessive) in Genome Aggregation Database.

NM_001377.3(DYNC2H1):c.11578C>T (p.Arg3860Ter)

Gene: DYNC2H1 (dynein cytoplasmic 2 heavy chain 1; plus strand). Cytogenetic location: 11q22.3.
Variant type: single nucleotide variant.
Coding change: c.11578C>T on transcript NM_001377.3 (MANE Select); coding-DNA position 11578, C replaced by T.
Protein change: p.Arg3860Ter; replaces arginine 3860 with a stop codon.
Molecular consequence: nonsense.
Genome position (GRCh38, 1-based): chr11:103,311,962, C>T. VCF-style: chr11-103311962-C-T. GRCh37 (hg19) VCF-style: chr11-103182691-C-T.
Other names: c.11599C>T, p.Arg3867Ter (NM_001080463.2); short protein forms R3860*, R3867*.
Identifiers: ClinVar variation 3598908 (VCV003598908.4).